The following is an entry in ClinVar:

ClinVar aggregate classification (germline): Uncertain significance. Review status: criteria provided, multiple submitters, no conflicts (2 of 4 stars). 3 submissions from 3 submitters: Uncertain significance (3). Last evaluated 2024-08-18.

Conditions:
Early-infantile DEE. Also called: Ohtahara syndrome; Early infantile epileptic encephalopathy; Early infantile epileptic encephalopathy with suppression bursts. Identifiers: Orphanet 1934, MedGen C0393706, MONDO:0800491.

Submissions (3):

GeneDx
Classification: Uncertain significance. Last evaluated: 2024-08-18. Review status: criteria provided, single submitter. Criteria: GeneDx Variant Classification Process June 2021. Collection method: clinical testing. Allele origin: germline. Affected: yes.
Comment: Not observed at significant frequency in large population cohorts (gnomAD); In silico analysis supports that this missense variant has a deleterious effect on protein structure/function; Has not been previously published as pathogenic or benign to our knowledge; This substitution is predicted to be within the cytoplasmic loop between the third and fourth homologous domains

Labcorp Genetics (formerly Invitae), Labcorp
Classification: Uncertain significance for Early-infantile DEE. Last evaluated: 2022-11-10. Review status: criteria provided, single submitter. Criteria: Invitae Variant Classification Sherloc (09022015). Collection method: clinical testing. Allele origin: germline.
Comment: This sequence change replaces asparagine, which is neutral and polar, with aspartic acid, which is acidic and polar, at codon 1528 of the SCN1A protein (p.Asn1528Asp). This variant is not present in population databases (gnomAD no frequency). This variant has not been reported in the literature in individuals affected with SCN1A-related conditions. ClinVar contains an entry for this variant (Variation ID: 195863). Algorithms developed to predict the effect of missense changes on protein structure and function are either unavailable or do not agree on the potential impact of this missense change (SIFT: "Deleterious"; PolyPhen-2: "Possibly Damaging"; Align-GVGD: "Class C15"). In summary, the available evidence is currently insufficient to determine the role of this variant in disease. Therefore, it has been classified as a Variant of Uncertain Significance.

Eurofins Ntd Llc (ga)
Classification: Uncertain significance. Last evaluated: 2016-03-16. Review status: criteria provided, single submitter. Criteria: EGL Classification Definitions 2015. Collection method: clinical testing. Allele origin: germline. Observed: 2 variant alleles, 2 heterozygotes.

NM_001165963.4(SCN1A):c.4582A>G (p.Asn1528Asp)

Genes: SCN1A (sodium voltage-gated channel alpha subunit 1; minus strand), LOC102724058 (uncharacterized LOC102724058; plus strand). Cytogenetic location: 2q24.3.
Variant type: single nucleotide variant.
Coding change: c.4582A>G on transcript NM_001165963.4 (MANE Select); coding-DNA position 4582, A replaced by G.
Protein change: p.Asn1528Asp; replaces asparagine 1528 with aspartic acid.
Molecular consequence: missense variant. On other transcripts: non-coding transcript variant (1).
Genome position (GRCh38, 1-based): chr2:165,994,416, T>C on the plus strand (A>G on the coding strand, the complement: SCN1A is on the minus strand). VCF-style: chr2-165994416-T-C. GRCh37 (hg19) VCF-style: chr2-166850926-T-C.
Other names: c.4582A>G (NM_001165963.1); c.4498A>G, p.Asn1500Asp (NM_001165964.3, NM_001353957.2, NM_001353958.2); c.4582A>G, p.Asn1528Asp (NM_001202435.3, NM_001353948.2); c.4549A>G, p.Asn1517Asp (NM_001353949.2, NM_001353950.2, NM_001353951.2 and 2 more transcripts); c.4546A>G, p.Asn1516Asp (NM_001353954.2, NM_001353955.2); c.4495A>G, p.Asn1499Asp (NM_001353960.2); c.2140A>G, p.Asn714Asp (NM_001353961.2); short protein forms N1517D, N1528D, N1499D, N1500D, N1516D, N714D.
Identifiers: ClinVar variation 195863 (VCV000195863.8), dbSNP rs794727398, ClinGen allele CA242527.